The following is an entry in ClinVar:

ClinVar aggregate classification (germline): Likely pathogenic (1 of 4 stars; one submission).

Conditions:
Epidermolysis bullosa simplex 3, localized or generalized intermediate, with BP230 deficiency (EBS3). Also called: Epidermolysis bullosa simplex, autosomal recessive 2; Epidermolysis bullosa simplex due to BP230 deficiency. Identifiers: Orphanet 412181, MedGen C3809470, MONDO:0014180, OMIM 615425.
Hereditary sensory and autonomic neuropathy type 6. Also called: Neuropathy, hereditary sensory and autonomic, type VI; HSAN VI. Identifiers: Orphanet 314381, MedGen C3539003, MONDO:0013839, OMIM 614653.

Allele frequency attached by ClinVar (database versions not stated): gnomAD exomes below 0.00001; TOPMed below 0.00001.
gnomAD v4.1: 1 of 1,606,942 alleles (0.000062%); highest among the groups gnomAD compares: South Asian, 0.0011%; no homozygotes.

Submission:

Labcorp Genetics (formerly Invitae), Labcorp
Classification: Likely pathogenic for Epidermolysis bullosa simplex 3, localized or generalized intermediate, with BP230 deficiency; Hereditary sensory and autonomic neuropathy type 6. Last evaluated: 2024-03-07. Review status: criteria provided, single submitter. Criteria: Invitae Variant Classification Sherloc (09022015). Collection method: clinical testing. Allele origin: germline.
Comment: The DST gene has multiple clinically relevant transcripts. This variant occurs in alternate transcript NM_015548.4, and corresponds to NM_001723.5:c.*41839G>A in the primary transcript. This sequence change affects a donor splice site in intron 32 of the DST gene. It is expected to disrupt RNA splicing. Variants that disrupt the donor or acceptor splice site typically lead to a loss of protein function (PMID: 16199547), and loss-of-function variants in DST are known to be pathogenic (PMID: 22522446, 25059916, 30371979). This variant is not present in population databases (gnomAD no frequency). This variant has not been reported in the literature in individuals affected with DST-related conditions. In summary, the currently available evidence indicates that the variant is pathogenic, but additional data are needed to prove that conclusively. Therefore, this variant has been classified as Likely Pathogenic.

Literature cited by the submitters: PubMed 16199547; PubMed 22522446; PubMed 25059916; PubMed 30371979.

NM_001374736.1(DST):c.13236+1G>A

Gene: DST (dystonin; minus strand). Cytogenetic location: 6p12.1.
Variant type: single nucleotide variant.
Coding change: c.13236+1G>A on transcript NM_001374736.1 (MANE Select); the canonical splice donor site of the intron after coding-DNA position 13236, G replaced by A.
Molecular consequence: splice donor variant.
Genome position (GRCh38, 1-based): chr6:56,573,678, C>T on the plus strand (G>A on the coding strand, the complement: DST is on the minus strand). VCF-style: chr6-56573678-C-T. GRCh37 (hg19) VCF-style: chr6-56438476-C-T.
Other names: c.5367+1G>A (NM_015548.5); c.6879+1G>A (NM_001144769.5); c.13236+1G>A (NM_001374722.1); c.13263+1G>A (NM_001374734.1); c.6465+1G>A (NM_001144770.2); c.6345+1G>A (NM_001374730.1, NM_001386100.1, NM_183380.4); c.12603+1G>A (NM_001374729.1).
Identifiers: ClinVar variation 2020287 (VCV002020287.4), dbSNP rs1404977690, ClinGen allele CA364527781.